The following is an entry in ClinVar:

NM_003640.5(ELP1):c.2446A>C (p.Ile816Leu)

Gene: ELP1 (elongator acetyltransferase complex subunit 1; minus strand). Cytogenetic location: 9q31.3.
Variant type: single nucleotide variant.
Coding change: c.2446A>C on transcript NM_003640.5 (MANE Select); coding-DNA position 2446, A replaced by C.
Protein change: p.Ile816Leu; replaces isoleucine 816 with leucine.
Molecular consequence: missense variant.
Genome position (GRCh38, 1-based): chr9:108,897,203, T>G on the plus strand (A>C on the coding strand, the complement: ELP1 is on the minus strand). VCF-style: chr9-108897203-T-G. GRCh37 (hg19) VCF-style: chr9-111659483-T-G.
Other names: p.I816L:ATA>CTA; c.2446A>C (LRG_251t1); c.2104A>C, p.Ile702Leu (NM_001318360.2); c.1399A>C, p.Ile467Leu (NM_001330749.2); short protein forms I816L, I702L, I467L.
Identifiers: ClinVar variation 137578 (VCV000137578.26), dbSNP rs2230793, ClinGen allele CA291226.

ClinVar aggregate classification (germline): Benign. Review status: criteria provided, multiple submitters, no conflicts (2 of 4 stars). 9 submissions from 9 submitters: Benign (8). 1 of the submissions does not count toward it. Last evaluated 2026-02-04.

Conditions:
Familial dysautonomia. Also called: FD; HSAN III. Identifiers: Orphanet 1764, MedGen C0013364, MONDO:0009131, OMIM 223900. Disease mechanism: loss of function.

Allele frequency attached by ClinVar (database versions not stated): gnomAD exomes 0.19925 and 0.22401; ExAC 0.22714; gnomAD 0.26711 and 0.27106; ESP Exome Variant Server 0.27064; TOPMed 0.28017; 1000 Genomes Project 0.29772; 1000 Genomes Project 30x 0.30356.
gnomAD v4.1: 331,806 of 1,613,558 alleles (21%); highest among the groups gnomAD compares: African/African-American, 44%; 37,443 homozygotes.

Submissions (9):

Labcorp Genetics (formerly Invitae), Labcorp
Classification: Benign. Last evaluated: 2026-02-04. Review status: criteria provided, single submitter. Criteria: Invitae Variant Classification Sherloc (09022015). Collection method: clinical testing. Allele origin: germline.

Blueprint Genetics
Classification: Benign. Last evaluated: 2024-11-27. Review status: criteria provided, single submitter. Criteria: ACMG Guidelines, 2015. Collection method: clinical testing. Allele origin: germline.

Genome-Nilou Lab
Classification: Benign for Familial dysautonomia. Last evaluated: 2021-07-01. Review status: criteria provided, single submitter. Criteria: ACMG Guidelines, 2015. Collection method: clinical testing. Allele origin: germline. Affected: no.

Mayo Clinic Laboratories, Mayo Clinic
Classification: Benign. Last evaluated: 2021-04-25. Review status: criteria provided, single submitter. Criteria: ACMG Guidelines, 2015. Collection method: clinical testing. Allele origin: germline. Observed: 629 variant alleles.

Illumina Laboratory Services, Illumina
Classification: Benign for Familial dysautonomia. Last evaluated: 2018-01-12. Review status: criteria provided, single submitter. Criteria: ICSL Variant Classification Criteria 13 December 2019. Collection method: clinical testing. Allele origin: germline.
Comment: This variant was observed in the ICSL laboratory as part of a predisposition screen in an ostensibly healthy population. It had not been previously curated by ICSL or reported in the Human Gene Mutation Database (HGMD: prior to June 1st, 2018), and was therefore a candidate for classification through an automated scoring system. Utilizing variant allele frequency, disease prevalence and penetrance estimates, and inheritance mode, an automated score was calculated to assess if this variant is too frequent to cause the disease. Based on the score and internal cut-off values, a variant classified as benign is not then subjected to further curation. The score for this variant resulted in a classification of benign for this disease.

GeneDx
Classification: Benign. Last evaluated: 2014-01-20. Review status: criteria provided, single submitter. Criteria: GeneDx Variant Classification (06012015). Collection method: clinical testing. Allele origin: germline. Affected: yes.
Comment: This variant is considered likely benign or benign based on one or more of the following criteria: it is a conservative change, it occurs at a poorly conserved position in the protein, it is predicted to be benign by multiple in silico algorithms, and/or has population frequency not consistent with disease.

Breakthrough Genomics
Classification: Benign. Review status: criteria provided, single submitter. Criteria: ACMG Guidelines, 2015. Collection method: not provided. Allele origin: germline. Inheritance: Autosomal recessive inheritance. Affected: yes.

PreventionGenetics, part of Exact Sciences
Classification: Benign. Review status: criteria provided, single submitter. Criteria: ACMG Guidelines, 2015. Collection method: clinical testing. Allele origin: germline.

Natera, Inc.
Classification: Benign for Familial dysautonomia. Last evaluated: 2017-05-10. Review status: no assertion criteria provided. Collection method: clinical testing. Allele origin: germline. Not counted in ClinVar's aggregate classification.